The following is an entry in ClinVar:

ClinVar aggregate classification (germline): Uncertain significance (1 of 4 stars; one submission).

Conditions:
Infantile-onset X-linked spinal muscular atrophy. Also called: Spinal Muscular Atrophy, X-Linked Infantile; Spinal muscular atrophy, X-linked 2; AMC, DISTAL, X-LINKED; ARTHROGRYPOSIS, X-LINKED, TYPE I; SPINAL MUSCULAR ATROPHY, X-LINKED LETHAL INFANTILE. Identifiers: Orphanet 1145, MedGen C1844934, MONDO:0010532, OMIM 301830.

Submission:

Labcorp Genetics (formerly Invitae), Labcorp
Classification: Uncertain significance for Infantile-onset X-linked spinal muscular atrophy. Last evaluated: 2023-03-08. Review status: criteria provided, single submitter. Criteria: Invitae Variant Classification Sherloc (09022015). Collection method: clinical testing. Allele origin: germline.
Comment: This variant has not been reported in the literature in individuals affected with UBA1-related conditions. This variant is not present in population databases (gnomAD no frequency). This sequence change replaces serine, which is neutral and polar, with cysteine, which is neutral and slightly polar, at codon 305 of the UBA1 protein (p.Ser305Cys). In summary, the available evidence is currently insufficient to determine the role of this variant in disease. Therefore, it has been classified as a Variant of Uncertain Significance. An algorithm developed to predict the effect of missense changes on protein structure and function (PolyPhen-2) suggests that this variant is likely to be tolerated.

NM_003334.4(UBA1):c.914C>G (p.Ser305Cys)

Gene: UBA1 (ubiquitin like modifier activating enzyme 1; plus strand). Cytogenetic location: Xp11.3.
Variant type: single nucleotide variant.
Coding change: c.914C>G on transcript NM_003334.4 (MANE Select); coding-DNA position 914, C replaced by G.
Protein change: p.Ser305Cys; replaces serine 305 with cysteine.
Molecular consequence: missense variant.
Genome position (GRCh38, 1-based): chrX:47,202,362, C>G. VCF-style: chrX-47202362-C-G. GRCh37 (hg19) VCF-style: chrX-47061761-C-G.
Other names: c.914C>G, p.Ser305Cys (NM_153280.3); short protein forms S305C.
Identifiers: ClinVar variation 2991318 (VCV002991318.3), dbSNP rs2521442012, ClinGen allele CA412794978.